The following is an entry in ClinVar:

NM_001360016.2(G6PD):c.737G>T (p.Arg246Leu)

Gene: G6PD (glucose-6-phosphate dehydrogenase; minus strand). Cytogenetic location: Xq28.
Variant type: single nucleotide variant.
Coding change: c.737G>T on transcript NM_001360016.2 (MANE Select); coding-DNA position 737, G replaced by T.
Protein change: p.Arg246Leu; replaces arginine 246 with leucine.
Molecular consequence: missense variant.
Genome position (GRCh38, 1-based): chrX:154,534,068, C>A on the plus strand (G>T on the coding strand, the complement: G6PD is on the minus strand). VCF-style: chrX-154534068-C-A. GRCh37 (hg19) VCF-style: chrX-153762283-C-A.
Other names: G6PD Tunisia; c.827G>T, p.Arg276Leu (NM_000402.4); c.737G>T, p.Arg246Leu (NM_001042351.3); short protein forms R246L, R276L.
Identifiers: ClinVar variation 1722754 (VCV001722754.2), dbSNP rs2523266689, ClinGen allele CA415236338.
Genomic context (GRCh38, chrX:154,534,068, plus strand): 5'-CTCCCAGGAGAGAGGAAGAGCTCTCACCGGATGATCCCAAATTCATCGAAATAGCCCCCG[C>A]GACCCTCAGTGCCAAAGGGCTCCTTGAAGGTGAGGATAACGCAGGCGATGTTGTCCCGGT-3'
Protein context (NP_001346945.1, residues 236-256): TFKEPFGTEG[Arg246Leu]GGYFDEFGII

ClinVar aggregate classification (germline): Likely pathogenic (1 of 4 stars; one submission).

Conditions:
Anemia, nonspherocytic hemolytic, due to G6PD deficiency (CNSHA1). Also called: Hemolytic anemia due to G6PD deficiency; Class I glucose-6-phosphate dehydrogenase deficiency; Favism, susceptibility to; ANEMIA, CONGENITAL, NONSPHEROCYTIC HEMOLYTIC, 1. Identifiers: Orphanet 466026, MedGen C2720289, MONDO:0010480, OMIM 300908.

Submission:

Dunham Lab, University of Washington
Classification: Likely pathogenic for Anemia, nonspherocytic hemolytic, due to G6PD deficiency. Last evaluated: 2022-08-12. Review status: criteria provided, single submitter. Criteria: Bayesian ACMG Guidelines, 2018. Collection method: curation. Allele origin: unknown. Affected: yes.
Comment: Decreased activity in red blood cells (25%) (PS3). Not found in gnomAD (PM2). Post_P 0.949 (odds of pathogenicity 168.4, Prior_P 0.1).

Literature cited by the submitters: PubMed 22552160.